The following is an entry in ClinVar:

ClinVar aggregate classification (germline): Uncertain significance (1 of 4 stars; one submission).

Allele frequency attached by ClinVar (database versions not stated): TOPMed 0.00002; gnomAD exomes 0.00003; ExAC 0.00001; gnomAD 0.00001.
gnomAD v4.1: 51 of 1,614,030 alleles (0.0032%); highest among the groups gnomAD compares: Admixed American, 0.005%; no homozygotes.

Submission:

Labcorp Genetics (formerly Invitae), Labcorp
Classification: Uncertain significance. Last evaluated: 2025-03-17. Review status: criteria provided, single submitter. Criteria: Invitae Variant Classification Sherloc (09022015). Collection method: clinical testing. Allele origin: germline.
Comment: This sequence change replaces threonine, which is neutral and polar, with methionine, which is neutral and non-polar, at codon 2605 of the TRRAP protein (p.Thr2605Met). This variant is present in population databases (rs759551512, gnomAD 0.009%). This variant has not been reported in the literature in individuals affected with TRRAP-related conditions. ClinVar contains an entry for this variant (Variation ID: 3015541). Invitae Evidence Modeling of protein sequence and biophysical properties (such as structural, functional, and spatial information, amino acid conservation, physicochemical variation, residue mobility, and thermodynamic stability) indicates that this missense variant is not expected to disrupt TRRAP protein function with a negative predictive value of 80%. In summary, the available evidence is currently insufficient to determine the role of this variant in disease. Therefore, it has been classified as a Variant of Uncertain Significance.

NM_001375524.1(TRRAP):c.7889C>T (p.Thr2630Met)

Gene: TRRAP (transformation/transcription domain associated protein; plus strand). Cytogenetic location: 7q22.1.
Variant type: single nucleotide variant.
Coding change: c.7889C>T on transcript NM_001375524.1 (MANE Select); coding-DNA position 7889, C replaced by T.
Protein change: p.Thr2630Met; replaces threonine 2630 with methionine.
Molecular consequence: missense variant.
Genome position (GRCh38, 1-based): chr7:98,976,198, C>T. VCF-style: chr7-98976198-C-T. GRCh37 (hg19) VCF-style: chr7-98573821-C-T.
Other names: c.7868C>T, p.Thr2623Met (NM_001244580.2); c.7814C>T, p.Thr2605Met (NM_003496.4); short protein forms T2605M, T2623M, T2630M.
Identifiers: ClinVar variation 3015541 (VCV003015541.3), dbSNP rs759551512, ClinGen allele CA4361272.